The following is an entry in ClinVar:

ClinVar aggregate classification (germline): Benign/Likely benign. Review status: criteria provided, multiple submitters, no conflicts (2 of 4 stars). 4 submissions from 4 submitters: Benign (1); Likely benign (2). 1 of the submissions does not count toward it. Last evaluated 2026-01-25.

Conditions:
CHRNB1-related disorder. Also called: CHRNB1-related condition.
Congenital myasthenic syndrome 2A. Also called: Myasthenic syndrome, congenital, 2a, slow-channel. Identifiers: Orphanet 590, MedGen C4225374, MONDO:0014581, OMIM 616313.
Congenital myasthenic syndrome 4C (CMS4C). Also called: Myasthenic syndrome, congenital, associated with acetylcholine receptor deficiency. Identifiers: Orphanet 590, MedGen C1837091, MONDO:0012157, OMIM 608931.

Allele frequency attached by ClinVar (database versions not stated): gnomAD 0.00014 and 0.00036; ESP Exome Variant Server 0.00015; TOPMed 0.00018; gnomAD exomes 0.00062 and 0.00101; ExAC 0.00107; 1000 Genomes Project 30x 0.00156; 1000 Genomes Project 0.00160.
gnomAD v4.1: 943 of 1,613,962 alleles (0.058%); highest among the groups gnomAD compares: South Asian, 0.69%; 7 homozygotes.

Submissions (4):

Labcorp Genetics (formerly Invitae), Labcorp
Classification: Benign for Congenital myasthenic syndrome 2A. Last evaluated: 2026-01-25. Review status: criteria provided, single submitter. Criteria: Invitae Variant Classification Sherloc (09022015). Collection method: clinical testing. Allele origin: germline.

Eurofins Ntd Llc (ga)
Classification: Likely benign. Last evaluated: 2018-08-16. Review status: criteria provided, single submitter. Criteria: EGL ClinVar v180209 classification definitions. Collection method: clinical testing. Allele origin: germline. Observed: 1 variant allele, 1 heterozygote.

Illumina Laboratory Services, Illumina
Classification: Likely benign for Congenital myasthenic syndrome 4C. Last evaluated: 2018-01-13. Review status: criteria provided, single submitter. Criteria: ICSL Variant Classification Criteria 13 December 2019. Collection method: clinical testing. Allele origin: germline.
Comment: This variant was observed in the ICSL laboratory as part of a predisposition screen in an ostensibly healthy population. It had not been previously curated by ICSL or reported in the Human Gene Mutation Database (HGMD: prior to June 1st, 2018), and was therefore a candidate for classification through an automated scoring system. Utilizing variant allele frequency, disease prevalence and penetrance estimates, and inheritance mode, an automated score was calculated to assess if this variant is too frequent to cause the disease. Based on the score and internal cut-off values, a variant classified as likely benign is not then subjected to further curation. The score for this variant resulted in a classification of likely benign for this disease.

PreventionGenetics, part of Exact Sciences
Classification: Benign for CHRNB1-related condition. Last evaluated: 2019-05-08. Review status: no assertion criteria provided. Collection method: clinical testing. Allele origin: germline. Not counted in ClinVar's aggregate classification.
Comment: This variant is classified as benign based on ACMG/AMP sequence variant interpretation guidelines (Richards et al. 2015 PMID: 25741868, with internal and published modifications).

NM_000747.3(CHRNB1):c.1217+9A>G

Gene: CHRNB1 (cholinergic receptor nicotinic beta 1 subunit; plus strand). Cytogenetic location: 17p13.1.
Variant type: single nucleotide variant.
Coding change: c.1217+9A>G on transcript NM_000747.3 (MANE Select); 9 bases into the intron after coding-DNA position 1217, A replaced by G.
Molecular consequence: intron variant.
Genome position (GRCh38, 1-based): chr17:7,455,465, A>G. VCF-style: chr17-7455465-A-G. GRCh37 (hg19) VCF-style: chr17-7358784-A-G.
Identifiers: ClinVar variation 598329 (VCV000598329.21), dbSNP rs145242880, ClinGen allele CA8347998.